The following is an entry in ClinVar:

NM_001378454.1(ALMS1):c.4012G>C (p.Glu1338Gln)

Gene: ALMS1 (ALMS1 centrosome and basal body associated protein; plus strand). Cytogenetic location: 2p13.1.
Variant type: single nucleotide variant.
Coding change: c.4012G>C on transcript NM_001378454.1 (MANE Select); coding-DNA position 4012, G replaced by C.
Protein change: p.Glu1338Gln; replaces glutamic acid 1338 with glutamine.
Molecular consequence: missense variant.
Genome position (GRCh38, 1-based): chr2:73,450,539, G>C. VCF-style: chr2-73450539-G-C. GRCh37 (hg19) VCF-style: chr2-73677666-G-C.
Other names: c.4015G>C, p.Glu1339Gln (NM_015120.4); short protein forms E1339Q, E1338Q.
Identifiers: ClinVar variation 2043538 (VCV002043538.3), dbSNP rs1671910873, ClinGen allele CA347277275.

ClinVar aggregate classification (germline): Conflicting classifications of pathogenicity. Review status: criteria provided, conflicting classifications (1 of 4 stars). 3 submissions from 3 submitters: Uncertain significance (1); Likely benign (1). 1 of the submissions does not count toward it. Last evaluated 2025-02-28.

Conditions:
Alstrom syndrome (ALMS). Identifiers: Orphanet 64, MedGen C0268425, MONDO:0008763, OMIM 203800.
Cardiovascular phenotype. Identifiers: MedGen CN230736.

Allele frequency attached by ClinVar (database versions not stated): gnomAD exomes 0.00001; TOPMed 0.00001.
gnomAD v4.1: 9 of 1,612,064 alleles (0.00056%); highest among the groups gnomAD compares: East Asian, 0.0022%; no homozygotes.

Submissions (3):

Ambry Genetics
Classification: Likely benign for Cardiovascular phenotype. Last evaluated: 2025-02-28. Review status: criteria provided, single submitter. Criteria: Ambry Variant Classification Scheme 2023. Collection method: clinical testing. Allele origin: germline.

Labcorp Genetics (formerly Invitae), Labcorp
Classification: Uncertain significance for Alstrom syndrome. Last evaluated: 2022-05-04. Review status: criteria provided, single submitter. Criteria: Invitae Variant Classification Sherloc (09022015). Collection method: clinical testing. Allele origin: germline.
Comment: This sequence change replaces glutamic acid, which is acidic and polar, with glutamine, which is neutral and polar, at codon 1339 of the ALMS1 protein (p.Glu1339Gln). This variant is not present in population databases (gnomAD no frequency). This variant has not been reported in the literature in individuals affected with ALMS1-related conditions. Experimental studies and prediction algorithms are not available or were not evaluated, and the functional significance of this variant is currently unknown. In summary, the available evidence is currently insufficient to determine the role of this variant in disease. Therefore, it has been classified as a Variant of Uncertain Significance.

Natera, Inc.
Classification: Uncertain significance for Alstrom syndrome. Last evaluated: 2025-04-10. Review status: no assertion criteria provided. Collection method: clinical testing. Allele origin: germline. Not counted in ClinVar's aggregate classification.